The following is an entry in ClinVar:

Single allele

Variant type: Deletion.
Identifiers: ClinVar variation 559466 (VCV000559466.3).

ClinVar aggregate classification (germline): Uncertain significance (1 of 4 stars; one submission).

Submission:

Geisinger Autism and Developmental Medicine Institute, Geisinger Health System
Classification: Uncertain significance. Last evaluated: 2018-04-03. Review status: criteria provided, single submitter. Criteria: ACMG CNV Guidelines, 2011. Collection method: provider interpretation. Allele origin: unknown.
Comment: A smaller, nested deletion was described in a patient with developmental delay, muscle hypotonia, dysmorphic features, and skeletal abnormalities (Shimojima et al. 2009). Several similar deletions have also been submitted to ClinVar (SCV000178752; SCV000175474; SCV000502982; SCV000502982). Parental testing has not been completed to date.

Literature cited by the submitters: PubMed 19610083.